The following is an entry in ClinVar:

NM_005559.4(LAMA1):c.184C>T (p.Arg62Ter)

Gene: LAMA1 (laminin subunit alpha 1; minus strand). Cytogenetic location: 18p11.31.
Variant type: single nucleotide variant.
Coding change: c.184C>T on transcript NM_005559.4 (MANE Select); coding-DNA position 184, C replaced by T.
Protein change: p.Arg62Ter; replaces arginine 62 with a stop codon.
Molecular consequence: nonsense.
Genome position (GRCh38, 1-based): chr18:7,080,335, G>A on the plus strand (C>T on the coding strand, the complement: LAMA1 is on the minus strand). VCF-style: chr18-7080335-G-A. GRCh37 (hg19) VCF-style: chr18-7080334-G-A.
Other names: short protein forms R62*.
Identifiers: ClinVar variation 1027445 (VCV001027445.5), dbSNP rs758223206, ClinGen allele CA8883393.
Genomic context (GRCh38, chr18:7,080,335, plus strand): 5'-CGCGACACTTGCCTCTGGGGTTTGCGCTGTTGCCATCACAGATCCGGCACTGTGGGTTTC[G>A]GACGGGCCGACCTGGCACATGCTCCACAAGTTTGCAGAACATCTCCGGCCCCTTCTCGCC-3'

ClinVar aggregate classification (germline): Pathogenic/Likely pathogenic. Review status: criteria provided, multiple submitters, no conflicts (2 of 4 stars). 2 submissions from 2 submitters: Pathogenic (1); Likely pathogenic (1). Last evaluated 2022-04-10.

Conditions:
Ataxia - intellectual disability - oculomotor apraxia - cerebellar cysts syndrome. Also called: Poretti-Boltshauser syndrome. Identifiers: Orphanet 370022, MedGen C4014821, MONDO:0014419, OMIM 615960.

Allele frequency attached by ClinVar (database versions not stated): ExAC 0.00001; gnomAD exomes 0.00001.
gnomAD v4.1: 6 of 1,614,220 alleles (0.00037%); highest among the groups gnomAD compares: East Asian, 0.0022%; no homozygotes.

Submissions (2):

Dasa
Classification: Likely pathogenic for Ataxia - intellectual disability - oculomotor apraxia - cerebellar cysts syndrome. Last evaluated: 2022-04-10. Review status: criteria provided, single submitter. Criteria: ACMG Guidelines, 2015. Collection method: clinical testing. Allele origin: germline. Affected: yes. Observed: 1 variant allele.
Comment: The c.184C>T;p.(Arg62*) variant creates a premature translational stop signal in the LAMA1 gene. It is expected to result in an absent or disrupted protein product -PVS1. The variant is present at low allele frequencies population databases (rs758223206 – gnomAD 0.00007964%; ABraOM 0.000427 frequency) - PM2_supporting. In summary, the currently available evidence indicates that the variant is likely pathogenic.

Molecular Medicine for Neurodegenerative and Neuromuscular Diseases Unit, IRCCS Fondazione Stella Maris
Classification: Pathogenic for Ataxia - intellectual disability - oculomotor apraxia - cerebellar cysts syndrome. Last evaluated: 2021-01-04. Review status: criteria provided, single submitter. Criteria: ACMG Guidelines, 2015. Collection method: research. Allele origin: inherited. Affected: yes.